The following is an entry in ClinVar:

ClinVar aggregate classification (germline): Uncertain significance. Review status: criteria provided, multiple submitters, no conflicts (2 of 4 stars). 3 submissions from 3 submitters: Uncertain significance (3). Last evaluated 2026-09-16.

Conditions:
TUB-related disorder. Also called: TUB-related condition.

Allele frequency attached by ClinVar (database versions not stated): gnomAD exomes 0.00002; TOPMed 0.00002; ExAC 0.00003; gnomAD 0.00003; ESP Exome Variant Server 0.00008.
gnomAD v4.1: 36 of 1,614,088 alleles (0.0022%); highest among the groups gnomAD compares: South Asian, 0.0044%; 1 homozygote.

Submissions (3):

PreventionGenetics, part of Exact Sciences
Classification: Uncertain significance for TUB-related condition. Last evaluated: 2026-09-16. Review status: criteria provided, single submitter. Criteria: ACMG Guidelines, 2015. Collection method: clinical testing. Allele origin: germline.
Comment: The TUB c.1681G>A variant is predicted to result in the amino acid substitution p.Glu561Lys. To our knowledge, this variant has not been reported in the literature. This variant is reported in 0.0046% of alleles in individuals of European (Finnish) descent in gnomAD. At this time, the clinical significance of this variant is uncertain due to the absence of conclusive functional and genetic evidence.

Labcorp Genetics (formerly Invitae), Labcorp
Classification: Uncertain significance. Last evaluated: 2020-10-24. Review status: criteria provided, single submitter. Criteria: Invitae Variant Classification Sherloc (09022015). Collection method: clinical testing. Allele origin: germline.
Comment: This sequence change replaces glutamic acid with lysine at codon 561 of the TUB protein (p.Glu561Lys). The glutamic acid residue is highly conserved and there is a small physicochemical difference between glutamic acid and lysine. This variant is present in population databases (rs370882734, ExAC 0.005%). This variant has not been reported in the literature in individuals with TUB-related conditions. Algorithms developed to predict the effect of missense changes on protein structure and function (SIFT, PolyPhen-2, Align-GVGD) all suggest that this variant is likely to be disruptive, but these predictions have not been confirmed by published functional studies and their clinical significance is uncertain. In summary, the available evidence is currently insufficient to determine the role of this variant in disease. Therefore, it has been classified as a Variant of Uncertain Significance.

Blueprint Genetics
Classification: Uncertain significance. Last evaluated: 2019-09-15. Review status: criteria provided, single submitter. Criteria: ACMG Guidelines, 2015. Collection method: clinical testing. Allele origin: germline.

NM_177972.3(TUB):c.1516G>A (p.Glu506Lys)

Genes: RIC3 (RIC3 acetylcholine receptor chaperone; minus strand), TUB (TUB bipartite transcription factor; plus strand). Cytogenetic location: 11p15.4.
Variant type: single nucleotide variant.
Coding change: c.1516G>A on transcript NM_177972.3 (MANE Select); coding-DNA position 1516, G replaced by A.
Protein change: p.Glu506Lys; replaces glutamic acid 506 with lysine.
Molecular consequence: missense variant.
Genome position (GRCh38, 1-based): chr11:8,101,614, G>A. VCF-style: chr11-8101614-G-A. GRCh37 (hg19) VCF-style: chr11-8123161-G-A.
Other names: c.1681G>A, p.Glu561Lys (NM_003320.5); c.1681G>A (NM_003320.4); short protein forms E506K, E561K.
Identifiers: ClinVar variation 1001729 (VCV001001729.11), dbSNP rs370882734, ClinGen allele CA5871536.